The following is an entry in ClinVar:

ClinVar aggregate classification (germline): Uncertain significance (1 of 4 stars; one submission).

gnomAD v4.1: 1 of 1,613,790 alleles (0.000062%); no homozygotes.

Submission:

GeneDx
Classification: Uncertain significance. Last evaluated: 2024-07-10. Review status: criteria provided, single submitter. Criteria: GeneDx Variant Classification Process June 2021. Collection method: clinical testing. Allele origin: germline. Affected: yes.
Comment: Not observed at significant frequency in large population cohorts (gnomAD); In silico analysis indicates that this missense variant does not alter protein structure/function; Has not been previously published as pathogenic or benign to our knowledge

NM_206933.4(USH2A):c.2188A>G (p.Asn730Asp)

Gene: USH2A (usherin; minus strand). Cytogenetic location: 1q41.
Variant type: single nucleotide variant.
Coding change: c.2188A>G on transcript NM_206933.4 (MANE Select); coding-DNA position 2188, A replaced by G.
Protein change: p.Asn730Asp; replaces asparagine 730 with aspartic acid.
Molecular consequence: missense variant.
Genome position (GRCh38, 1-based): chr1:216,247,206, T>C on the plus strand (A>G on the coding strand, the complement: USH2A is on the minus strand). VCF-style: chr1-216247206-T-C. GRCh37 (hg19) VCF-style: chr1-216420548-T-C.
Other names: c.2188A>G, p.Asn730Asp (NM_007123.6); short protein forms N730D.
Identifiers: ClinVar variation 3572703 (VCV003572703.1).